The following is an entry in ClinVar:

ClinVar aggregate classification (germline): Uncertain significance (1 of 4 stars; one submission).

gnomAD v4.1: 3 of 1,612,978 alleles (0.00019%); highest among the groups gnomAD compares: Non-Finnish European, 0.00025%; no homozygotes.

Submission:

Labcorp Genetics (formerly Invitae), Labcorp
Classification: Uncertain significance. Last evaluated: 2025-03-17. Review status: criteria provided, single submitter. Criteria: Invitae Variant Classification Sherloc (09022015). Collection method: clinical testing. Allele origin: germline.
Comment: This sequence change replaces alanine, which is neutral and non-polar, with threonine, which is neutral and polar, at codon 1484 of the COL11A1 protein (p.Ala1484Thr). This variant is not present in population databases (gnomAD no frequency). This variant has not been reported in the literature in individuals affected with COL11A1-related conditions. Invitae Evidence Modeling of protein sequence and biophysical properties (such as structural, functional, and spatial information, amino acid conservation, physicochemical variation, residue mobility, and thermodynamic stability) indicates that this missense variant is not expected to disrupt COL11A1 protein function with a negative predictive value of 80%. In summary, the available evidence is currently insufficient to determine the role of this variant in disease. Therefore, it has been classified as a Variant of Uncertain Significance.

NM_001854.4(COL11A1):c.4450G>A (p.Ala1484Thr)

Gene: COL11A1 (collagen type XI alpha 1 chain; minus strand). Cytogenetic location: 1p21.1.
Variant type: single nucleotide variant.
Coding change: c.4450G>A on transcript NM_001854.4 (MANE Select); coding-DNA position 4450, G replaced by A.
Protein change: p.Ala1484Thr; replaces alanine 1484 with threonine.
Molecular consequence: missense variant. On other transcripts: non-coding transcript variant (1).
Genome position (GRCh38, 1-based): chr1:102,889,469, C>T on the plus strand (G>A on the coding strand, the complement: COL11A1 is on the minus strand). VCF-style: chr1-102889469-C-T. GRCh37 (hg19) VCF-style: chr1-103355025-C-T.
Other names: c.4333G>A, p.Ala1445Thr (NM_001190709.2); c.4486G>A, p.Ala1496Thr (NM_080629.3); c.4102G>A, p.Ala1368Thr (NM_080630.4); short protein forms A1445T, A1484T, A1496T, A1368T.
Identifiers: ClinVar variation 3709568 (VCV003709568.2).